The following is an entry in ClinVar:

NM_175914.5(HNF4A):c.731T>C (p.Ile244Thr)

Gene: HNF4A (hepatocyte nuclear factor 4 alpha; plus strand). Cytogenetic location: 20q13.12.
Variant type: single nucleotide variant.
Coding change: c.731T>C on transcript NM_175914.5 (MANE Select); coding-DNA position 731, T replaced by C.
Protein change: p.Ile244Thr; replaces isoleucine 244 with threonine.
Molecular consequence: missense variant.
Genome position (GRCh38, 1-based): chr20:44,419,781, T>C. VCF-style: chr20-44419781-T-C. GRCh37 (hg19) VCF-style: chr20-43048421-T-C.
Other names: NM_175914.5:c.731T>C; c.797T>C, p.Ile266Thr (NM_000457.6, NM_178849.3, NM_178850.3); c.731T>C, p.Ile244Thr (NM_001030003.3, NM_001030004.3); c.776T>C, p.Ile259Thr (NM_001258355.2); c.722T>C, p.Ile241Thr (NM_001287182.2, NM_001287183.2, NM_001287184.2); c.731T>C (NM_175914.3); short protein forms I241T, I244T, I259T, I266T.
Identifiers: ClinVar variation 2574171 (VCV002574171.2), dbSNP rs1164357335, ClinGen allele CA409107443.

ClinVar aggregate classification (germline): Uncertain significance. Review status: reviewed by expert panel (3 of 4 stars). 2 submissions from 2 submitters: Uncertain significance (1). 1 of the submissions does not count toward it. Last evaluated 2023-07-30.

Conditions:
Monogenic diabetes. Identifiers: Orphanet 183625, MedGen C3888631, MONDO:0015967.

Allele frequency attached by ClinVar (database versions not stated): gnomAD 0.00001; gnomAD exomes 0.00001; TOPMed 0.00001.
gnomAD v4.1: 17 of 1,603,850 alleles (0.0011%); highest among the groups gnomAD compares: Non-Finnish European, 0.0014%; no homozygotes.

Submissions (2):

ClinGen Monogenic Diabetes Variant Curation Expert Panel
Classification: Uncertain significance for Monogenic diabetes. Last evaluated: 2023-07-30. Review status: reviewed by expert panel. Criteria: MDEP HNF4A Specificiations 1.0.0. Collection method: curation. Allele origin: germline. Inheritance: Autosomal dominant inheritance.
Comment: The c.731T>C variant in the Hepatocyte nuclear factor 4 alpha, HNF4A, causes an amino acid change of isoleucine to threonine at codon 244 (p.(Ile244Thr)) of NM_175914.5. This variant is absent from gnomAD v2.1.1 (PM2_Supporting). This variant was identified in an individual with a clinical history highly specific for HNF4A-MODY (MODY probability calculator result >50%, negative genetic testing for HNF1A) (PP4; internal lab contributor). This variant has a REVEL score of 0.324, which is between the ClinGen MDEP thresholds, predicting neither a damaging nor benign impact on HNF4A function. In summary, c.731T>C meets the criteria to be classified as VUS for monogenic diabetes. ACMG/AMP criteria applied, as specified by the ClinGen MDEP VCEP (specification version 1.0, approved 11/16/2022): PM2_Supporting, PP4.

GeneDx
Classification: Uncertain significance. Last evaluated: 2025-09-15. Review status: criteria provided, single submitter. Criteria: GeneDx Variant Classification Process June 2021. Collection method: clinical testing. Allele origin: germline. Affected: yes. Not counted in ClinVar's aggregate classification.
Comment: Not observed at significant frequency in large population cohorts (gnomAD); In silico analysis suggests that this missense variant does not alter protein structure/function; Has not been previously published as pathogenic or benign to our knowledge